The following is an entry in ClinVar:

ClinVar aggregate classification (germline): Uncertain significance (1 of 4 stars; one submission).

Conditions:
Aortic aneurysm, familial thoracic 7 (AAT7). Also called: AORTIC DISSECTION, FAMILIAL, WITH OR WITHOUT AORTIC ANEURYSM. Identifiers: MedGen C3151077, MONDO:0013418, OMIM 613780.

Submission:

Labcorp Genetics (formerly Invitae), Labcorp
Classification: Uncertain significance for Aortic aneurysm, familial thoracic 7. Last evaluated: 2020-11-05. Review status: criteria provided, single submitter. Criteria: Invitae Variant Classification Sherloc (09022015). Collection method: clinical testing. Allele origin: germline.
Comment: This sequence change replaces glycine with valine at codon 758 of the MYLK protein (p.Gly758Val). The glycine residue is highly conserved and there is a moderate physicochemical difference between glycine and valine. This variant is not present in population databases (ExAC no frequency). This variant has not been reported in the literature in individuals with MYLK-related conditions. Advanced modeling of protein sequence and biophysical properties (such as structural, functional, and spatial information, amino acid conservation, physicochemical variation, residue mobility, and thermodynamic stability) performed at Invitae indicates that this missense variant is not expected to disrupt MYLK protein function. In summary, the available evidence is currently insufficient to determine the role of this variant in disease. Therefore, it has been classified as a Variant of Uncertain Significance.

NM_053025.4(MYLK):c.2273G>T (p.Gly758Val)

Gene: MYLK (myosin light chain kinase; minus strand). Cytogenetic location: 3q21.1.
Variant type: single nucleotide variant.
Coding change: c.2273G>T on transcript NM_053025.4 (MANE Select); coding-DNA position 2273, G replaced by T.
Protein change: p.Gly758Val; replaces glycine 758 with valine.
Molecular consequence: missense variant.
Genome position (GRCh38, 1-based): chr3:123,707,871, C>A on the plus strand (G>T on the coding strand, the complement: MYLK is on the minus strand). VCF-style: chr3-123707871-C-A. GRCh37 (hg19) VCF-style: chr3-123426718-C-A.
Other names: c.1745G>T, p.Gly582Val (NM_001321309.2); c.2066G>T, p.Gly689Val (NM_053026.4, NM_053028.4); c.2273G>T, p.Gly758Val (NM_053027.4); short protein forms G758V, G689V, G582V.
Identifiers: ClinVar variation 1525538 (VCV001525538.8), dbSNP rs2108635570, ClinGen allele CA354233904.
Genomic context (GRCh38, chr3:123,707,871, plus strand): 5'-GTGAACACGTCCTCATTCTGAAGCACCTCGAAGTGGCCAGTGTCTTTGCAGAGGGCTTTG[C>A]CATCTCTGAGCCAGTGCACGGTAGGAAAGGGGTCACCAGCTATGGCGCAGGAGATGAGGA-3'
Protein context (NP_444253.3, residues 748-768): PFPTVHWLRD[Gly758Val]KALCKDTGHF